The following is an entry in ClinVar:

ClinVar aggregate classification (germline): Uncertain significance (1 of 4 stars; one submission).

Conditions:
Primary ciliary dyskinesia. Also called: Ciliary dyskinesia. Identifiers: Orphanet 244, MedGen C0008780, MONDO:0016575, HP:0012265.

Submission:

Labcorp Genetics (formerly Invitae), Labcorp
Classification: Uncertain significance for Primary ciliary dyskinesia. Last evaluated: 2016-03-08. Review status: criteria provided, single submitter. Criteria: Invitae Variant Classification Sherloc (09022015). Collection method: clinical testing. Allele origin: germline.
Comment: A gross duplication of the genomic region encompassing the full coding sequence of the RPGR gene has been identified. This variant has not been reported in the literature. In summary, this is a whole gene duplication with uncertain impact on protein function. It has been classified as a Variant of Uncertain Significance.

NM_000328.2(RPGR):c.-168-?_*456+?dup

Gene: RPGR (retinitis pigmentosa GTPase regulator; minus strand).
Variant type: Duplication.
Coding change: c.-168-?_*456+?dup on transcript NM_000328.2.
Identifiers: ClinVar variation 237680 (VCV000237680.1).